The following is an entry in ClinVar:

ClinVar aggregate classification (germline): Uncertain significance (1 of 4 stars; one submission).

Conditions:
Frontometaphyseal dysplasia (FMD1). Identifiers: Orphanet 1826, MedGen C0265293, MONDO:0015942.
Melnick-Needles syndrome (MNS). Also called: MELNICK-NEEDLES OSTEODYSPLASTY; OSTEODYSPLASTY OF MELNICK AND NEEDLES; Melnick-Needles Syndrome (FLNA-MNS). Identifiers: Orphanet 2484, MedGen C0025237, MONDO:0010650, OMIM 309350.
Oto-palato-digital syndrome, type II (OPD2). Also called: FACIOPALATOOSSEOUS SYNDROME; Otopalatodigital Syndrome, Type II; OPD II SYNDROME; Otopalatodigital Syndrome Type 2 (FLNA-OPD2). Identifiers: Orphanet 669, Orphanet 90652, MedGen C1844696, MONDO:0010571, OMIM 304120.
Heterotopia, periventricular, X-linked dominant (PVNH1). Also called: PERIVENTRICULAR NODULAR HETEROTOPIA 1; X-linked periventricular heterotopia; PERIVENTRICULAR NODULAR HETEROTOPIA 4; HETEROTOPIA, PERIVENTRICULAR, 1. Identifiers: Orphanet 2149, Orphanet 82004, MedGen C1848213, MONDO:0010233, OMIM 300049.

Allele frequency attached by ClinVar (database versions not stated): gnomAD exomes below 0.00001; ExAC 0.00001; TOPMed 0.00001.
gnomAD v4.1: 1 of 1,210,919 alleles (0.000083%); highest among the groups gnomAD compares: Non-Finnish European, 0.00011%; no homozygotes.

Submission:

Labcorp Genetics (formerly Invitae), Labcorp
Classification: Uncertain significance for Oto-palato-digital syndrome, type II; Heterotopia, periventricular, X-linked dominant; Frontometaphyseal dysplasia; Melnick-Needles syndrome. Last evaluated: 2020-02-24. Review status: criteria provided, single submitter. Criteria: Invitae Variant Classification Sherloc (09022015). Collection method: clinical testing. Allele origin: germline.
Comment: This variant has not been reported in the literature in individuals with FLNA-related conditions. This variant is present in population databases (rs782466840, ExAC 0.002%). This sequence change replaces alanine with threonine at codon 1282 of the FLNA protein (p.Ala1282Thr). The alanine residue is highly conserved and there is a small physicochemical difference between alanine and threonine. Algorithms developed to predict the effect of missense changes on protein structure and function (SIFT, PolyPhen-2, Align-GVGD) all suggest that this variant is likely to be disruptive, but these predictions have not been confirmed by published functional studies and their clinical significance is uncertain. In summary, the available evidence is currently insufficient to determine the role of this variant in disease. Therefore, it has been classified as a Variant of Uncertain Significance.

NM_001110556.2(FLNA):c.3844G>A (p.Ala1282Thr)

Gene: FLNA (filamin A; minus strand). Cytogenetic location: Xq28.
Variant type: single nucleotide variant.
Coding change: c.3844G>A on transcript NM_001110556.2 (MANE Select); coding-DNA position 3844, G replaced by A.
Protein change: p.Ala1282Thr; replaces alanine 1282 with threonine.
Molecular consequence: missense variant.
Genome position (GRCh38, 1-based): chrX:154,359,867, C>T on the plus strand (G>A on the coding strand, the complement: FLNA is on the minus strand). VCF-style: chrX-154359867-C-T. GRCh37 (hg19) VCF-style: chrX-153588235-C-T.
Other names: c.3844G>A, p.Ala1282Thr (NM_001456.4); short protein forms A1282T.
Identifiers: ClinVar variation 1001060 (VCV001001060.9), dbSNP rs782466840, ClinGen allele CA10560645.
Genomic context (GRCh38, chrX:154,359,867, plus strand): 5'-CTGAGGGGTTGGCCACACGGGCCTTGACGTGCGGCCCTCCGGTCTGTGTCAGAGCCCGGG[C>T]GTCCACACTGAACTCAGTGGTGGCCTCACGGAAGACACCTGCAAAGGCACAGAGAGGAGG-3'
Protein context (NP_001104026.1, residues 1272-1292): REATTEFSVD[Ala1282Thr]RALTQTGGPH